The following is an entry in ClinVar:

NM_001291303.3(FAT4):c.2903C>T (p.Ala968Val)

Gene: FAT4 (FAT atypical cadherin 4; plus strand). Cytogenetic location: 4q28.1.
Variant type: single nucleotide variant.
Coding change: c.2903C>T on transcript NM_001291303.3 (MANE Select); coding-DNA position 2903, C replaced by T.
Protein change: p.Ala968Val; replaces alanine 968 with valine.
Molecular consequence: missense variant.
Genome position (GRCh38, 1-based): chr4:125,319,314, C>T. VCF-style: chr4-125319314-C-T. GRCh37 (hg19) VCF-style: chr4-126240469-C-T.
Other names: c.2903C>T, p.Ala968Val (NM_001291285.3, NM_024582.6); short protein forms A968V.
Identifiers: ClinVar variation 1189677 (VCV001189677.4), dbSNP rs1390864938, ClinGen allele CA358121349.

ClinVar aggregate classification (germline): Uncertain significance. Review status: criteria provided, multiple submitters, no conflicts (2 of 4 stars). 2 submissions from 2 submitters: Uncertain significance (2). Last evaluated 2024-03-20.

Allele frequency attached by ClinVar (database versions not stated): gnomAD exomes below 0.00001.
gnomAD v4.1: 2 of 1,614,034 alleles (0.00012%); highest among the groups gnomAD compares: East Asian, 0.0022%; no homozygotes.

Submissions (2):

Labcorp Genetics (formerly Invitae), Labcorp
Classification: Uncertain significance. Last evaluated: 2024-03-20. Review status: criteria provided, single submitter. Criteria: Invitae Variant Classification Sherloc (09022015). Collection method: clinical testing. Allele origin: germline.
Comment: This sequence change replaces alanine, which is neutral and non-polar, with valine, which is neutral and non-polar, at codon 968 of the FAT4 protein (p.Ala968Val). This variant is present in population databases (no rsID available, gnomAD no frequency). This variant has not been reported in the literature in individuals affected with FAT4-related conditions. ClinVar contains an entry for this variant (Variation ID: 1189677). Advanced modeling of protein sequence and biophysical properties (such as structural, functional, and spatial information, amino acid conservation, physicochemical variation, residue mobility, and thermodynamic stability) has been performed at Invitae for this missense variant, however the output from this modeling did not meet the statistical confidence thresholds required to predict the impact of this variant on FAT4 protein function. In summary, the available evidence is currently insufficient to determine the role of this variant in disease. Therefore, it has been classified as a Variant of Uncertain Significance.

GeneDx
Classification: Uncertain significance. Last evaluated: 2019-12-02. Review status: criteria provided, single submitter. Criteria: GeneDx Variant Classification Process June 2021. Collection method: clinical testing. Allele origin: germline. Affected: yes.
Comment: Not observed at a significant frequency in large population cohorts (Lek et al., 2016); In silico analysis, which includes protein predictors and evolutionary conservation, supports a deleterious effect; Has not been previously published as pathogenic or benign to our knowledge